The following is an entry in ClinVar:

ClinVar aggregate classification (germline): Uncertain significance (1 of 4 stars; one submission).

Submission:

GeneDx
Classification: Uncertain significance. Last evaluated: 2024-12-23. Review status: criteria provided, single submitter. Criteria: GeneDx Variant Classification Process June 2021. Collection method: clinical testing. Allele origin: germline. Affected: yes.
Comment: Not observed at significant frequency in large population cohorts (gnomAD); In silico analysis indicates that this missense variant does not alter protein structure/function; Has not been previously published as pathogenic or benign to our knowledge

NM_016604.4(KDM3B):c.2582A>G (p.Lys861Arg)

Gene: KDM3B (lysine demethylase 3B; plus strand). Cytogenetic location: 5q31.2.
Variant type: single nucleotide variant.
Coding change: c.2582A>G on transcript NM_016604.4 (MANE Select); coding-DNA position 2582, A replaced by G.
Protein change: p.Lys861Arg; replaces lysine 861 with arginine.
Molecular consequence: missense variant.
Genome position (GRCh38, 1-based): chr5:138,392,214, A>G. VCF-style: chr5-138392214-A-G. GRCh37 (hg19) VCF-style: chr5-137727903-A-G.
Other names: short protein forms K861R.
Identifiers: ClinVar variation 3906434 (VCV003906434.1).
Genomic context (GRCh38, chr5:138,392,214, plus strand): 5'-TGATGGGGAAGCTGGGCCCCAATGGGGAGCGCAGTGCTGAGCTGTTGCTGGGCAAAAGCA[A>G]AGGGAAGCAGGCCCCCAAGGGCCGGCCTCGGACTGCCCCCCTGAAAGGTGATCCTGCTGG-3'
Protein context (NP_057688.3, residues 851-871): RSAELLLGKS[Lys861Arg]GKQAPKGRPR